The following is an entry in ClinVar:

ClinVar aggregate classification (germline): Uncertain significance (1 of 4 stars; one submission).

Conditions:
Hereditary cancer-predisposing syndrome. Also called: Neoplastic Syndromes, Hereditary; Tumor predisposition; Hereditary neoplastic syndrome; Hereditary Cancer Syndrome. Identifiers: Orphanet 140162, MedGen C0027672, MeSH D009386, MONDO:0015356.

Submission:

Ambry Genetics
Classification: Uncertain significance for Hereditary cancer-predisposing syndrome. Last evaluated: 2026-08-10. Review status: criteria provided, single submitter. Criteria: Ambry Variant Classification Scheme 2023. Collection method: clinical testing. Allele origin: germline.
Comment: The c.694_700delCAGTCCT variant, located in coding exon 1 of the MET gene, results from a deletion of 7 nucleotides at nucleotide positions 694 to 700, causing a translational frameshift with a predicted alternate stop codon (p.Q232Tfs*29). This variant is expected to result in protein truncation or nonsense-mediated mRNA decay. However, loss of function has not been established as a mechanism of disease. Based on the available evidence, the clinical significance of this variant remains unclear.

NM_000245.4(MET):c.694_700del (p.Gln232fs)

Gene: MET (MET proto-oncogene, receptor tyrosine kinase; plus strand). Cytogenetic location: 7q31.2.
Variant type: Deletion.
Coding change: c.694_700del on transcript NM_000245.4 (MANE Select); coding-DNA positions 694 to 700, 7 bases deleted (CAGTCCT; older notation c.694_700delCAGTCCT).
Protein change: p.Gln232fs; shifts the reading frame from glutamine 232.
Molecular consequence: frameshift variant. On other transcripts: intron variant (1).
Genome position (GRCh38, 1-based): chr7:116,699,778-116,699,784, CAGTCCT deleted. VCF-style (leftmost placement, unchanged base first): chr7-116699777-CCAGTCCT-C. GRCh37 (hg19) VCF-style: chr7-116339831-CCAGTCCT-C.
Other names: c.694_700del, p.Gln232fs (NM_001127500.3, NM_001324401.3); c.-91+27201_-91+27207del (NM_001324402.2); short protein forms Q232fs.
Identifiers: ClinVar variation 5024420 (VCV005024420.1).